The following is an entry in ClinVar:

NM_032608.7(MYO18B):c.2249C>A (p.Pro750Gln)

Gene: MYO18B (myosin XVIIIB; plus strand). Cytogenetic location: 22q12.1.
Variant type: single nucleotide variant.
Coding change: c.2249C>A on transcript NM_032608.7 (MANE Select); coding-DNA position 2249, C replaced by A.
Protein change: p.Pro750Gln; replaces proline 750 with glutamine.
Molecular consequence: missense variant.
Genome position (GRCh38, 1-based): chr22:25,781,771, C>A. VCF-style: chr22-25781771-C-A. GRCh37 (hg19) VCF-style: chr22-26177738-C-A.
Other names: c.2249C>A, p.Pro750Gln (NM_001318245.2); short protein forms P750Q.
Identifiers: ClinVar variation 1477326 (VCV001477326.6), dbSNP rs773181551, ClinGen allele CA410994026.
Genomic context (GRCh38, chr22:25,781,771, plus strand): 5'-GTGCCCCTCTTCTCTCCCTGCAGACAATGCTTTTGGAGAAGAGCCGCGTGGCACGGCAGC[C>A]GGAAGGGGAAAGTAACTTCCTGGTTTTCTCCCAGATGCTGGCTGGATTGGACTTGGATCT-3'
Protein context (NP_115997.5, residues 740-760): LLEKSRVARQ[Pro750Gln]EGESNFLVFS

ClinVar aggregate classification (germline): Uncertain significance (1 of 4 stars; one submission).

Submission:

Labcorp Genetics (formerly Invitae), Labcorp
Classification: Uncertain significance. Last evaluated: 2021-08-31. Review status: criteria provided, single submitter. Criteria: Invitae Variant Classification Sherloc (09022015). Collection method: clinical testing. Allele origin: germline.
Comment: In summary, the available evidence is currently insufficient to determine the role of this variant in disease. Therefore, it has been classified as a Variant of Uncertain Significance. Algorithms developed to predict the effect of missense changes on protein structure and function are either unavailable or do not agree on the potential impact of this missense change (SIFT: "Not Available"; PolyPhen-2: "Probably Damaging"; Align-GVGD: "Not Available"). This variant has not been reported in the literature in individuals affected with MYO18B-related conditions. This variant is not present in population databases (ExAC no frequency). This sequence change replaces proline with glutamine at codon 750 of the MYO18B protein (p.Pro750Gln). The proline residue is weakly conserved and there is a moderate physicochemical difference between proline and glutamine.